The following is an entry in ClinVar:

ClinVar aggregate classification (germline): Uncertain significance (1 of 4 stars; one submission).

Allele frequency attached by ClinVar (database versions not stated): TOPMed below 0.00001.

Submission:

Labcorp Genetics (formerly Invitae), Labcorp
Classification: Uncertain significance. Last evaluated: 2021-03-28. Review status: criteria provided, single submitter. Criteria: Invitae Variant Classification Sherloc (09022015). Collection method: clinical testing. Allele origin: germline.
Comment: This variant is not present in population databases (ExAC no frequency). This sequence change replaces glutamine with arginine at codon 360 of the KLF10 protein (p.Gln360Arg). The glutamine residue is moderately conserved and there is a small physicochemical difference between glutamine and arginine. This variant has not been reported in the literature in individuals with KLF10-related conditions. Algorithms developed to predict the effect of missense changes on protein structure and function (SIFT, PolyPhen-2, Align-GVGD) all suggest that this variant is likely to be tolerated, but these predictions have not been confirmed by published functional studies and their clinical significance is uncertain. In summary, the available evidence is currently insufficient to determine the role of this variant in disease. Therefore, it has been classified as a Variant of Uncertain Significance.

NM_005655.4(KLF10):c.1079A>G (p.Gln360Arg)

Gene: KLF10 (KLF transcription factor 10; minus strand). Cytogenetic location: 8q22.3.
Variant type: single nucleotide variant.
Coding change: c.1079A>G on transcript NM_005655.4 (MANE Select); coding-DNA position 1079, A replaced by G.
Protein change: p.Gln360Arg; replaces glutamine 360 with arginine.
Molecular consequence: missense variant. On other transcripts: non-coding transcript variant (1).
Genome position (GRCh38, 1-based): chr8:102,651,253, T>C on the plus strand (A>G on the coding strand, the complement: KLF10 is on the minus strand). VCF-style: chr8-102651253-T-C. GRCh37 (hg19) VCF-style: chr8-103663481-T-C.
Other names: c.1046A>G, p.Gln349Arg (NM_001032282.4); short protein forms Q360R, Q349R.
Identifiers: ClinVar variation 1520989 (VCV001520989.8), dbSNP rs1827200742, ClinGen allele CA371624034.